The following is an entry in ClinVar:

ClinVar aggregate classification (germline): Conflicting classifications of pathogenicity. Review status: criteria provided, conflicting classifications (1 of 4 stars). 6 submissions from 6 submitters: Uncertain significance (1); Benign (3); Likely benign (1). 1 of the submissions does not count toward it. Last evaluated 2026-07-01.

Conditions:
EFEMP1-related disorder. Also called: EFEMP1-related condition.
Doyne honeycomb retinal dystrophy (DHRD). Also called: MALATTIA LEVENTINESE; DRUSEN, RADIAL, AUTOSOMAL DOMINANT; DOYNE HONEYCOMB DEGENERATION OF RETINA. Identifiers: Orphanet 75376, MedGen C1832174, MONDO:0007471, OMIM 126600.

Allele frequency attached by ClinVar (database versions not stated): 1000 Genomes Project 30x 0.00031; 1000 Genomes Project 0.00040; TOPMed 0.00087; ExAC 0.00092; gnomAD 0.00097 and 0.00103; gnomAD exomes 0.00101 and 0.00137; ESP Exome Variant Server 0.00169.
gnomAD v4.1: 2,141 of 1,614,236 alleles (0.13%); highest among the groups gnomAD compares: Non-Finnish European, 0.16%; 4 homozygotes.

Submissions (6):

CeGaT Center for Human Genetics Tuebingen
Classification: Benign. Last evaluated: 2026-07-01. Review status: criteria provided, single submitter. Criteria: CeGaT Center For Human Genetics Tuebingen Variant Classification Criteria Version 2. Collection method: clinical testing. Allele origin: germline. Affected: yes. Observed: 3 variant alleles.
Comment: EFEMP1: BS1, BS2

Labcorp Genetics (formerly Invitae), Labcorp
Classification: Benign. Last evaluated: 2025-12-06. Review status: criteria provided, single submitter. Criteria: Invitae Variant Classification Sherloc (09022015). Collection method: clinical testing. Allele origin: germline.

Blueprint Genetics
Classification: Likely benign. Last evaluated: 2024-11-22. Review status: criteria provided, single submitter. Criteria: ACMG Guidelines, 2015. Collection method: clinical testing. Allele origin: germline.

Illumina Laboratory Services, Illumina
Classification: Benign for Doyne honeycomb retinal dystrophy. Last evaluated: 2018-01-13. Review status: criteria provided, single submitter. Criteria: ICSL Variant Classification Criteria 13 December 2019. Collection method: clinical testing. Allele origin: germline.
Comment: This variant was observed in the ICSL laboratory as part of a predisposition screen in an ostensibly healthy population. It had not been previously curated by ICSL or reported in the Human Gene Mutation Database (HGMD: prior to June 1st, 2018), and was therefore a candidate for classification through an automated scoring system. Utilizing variant allele frequency, disease prevalence and penetrance estimates, and inheritance mode, an automated score was calculated to assess if this variant is too frequent to cause the disease. Based on the score and internal cut-off values, a variant classified as benign is not then subjected to further curation. The score for this variant resulted in a classification of benign for this disease.

Eurofins Ntd Llc (ga)
Classification: Uncertain significance. Last evaluated: 2015-10-14. Review status: criteria provided, single submitter. Criteria: EGL Classification Definitions 2015. Collection method: clinical testing. Allele origin: germline. Observed: 1 variant allele, 1 heterozygote.

PreventionGenetics, part of Exact Sciences
Classification: Likely benign for EFEMP1-related condition. Last evaluated: 2024-03-13. Review status: no assertion criteria provided. Collection method: clinical testing. Allele origin: germline. Not counted in ClinVar's aggregate classification.
Comment: This variant is classified as likely benign based on ACMG/AMP sequence variant interpretation guidelines (Richards et al. 2015 PMID: 25741868, with internal and published modifications).

NM_001039348.3(EFEMP1):c.146A>C (p.Asp49Ala)

Gene: EFEMP1 (EGF-like fibulin extracellular matrix protein 1; minus strand). Cytogenetic location: 2p16.1.
Variant type: single nucleotide variant.
Coding change: c.146A>C on transcript NM_001039348.3 (MANE Select); coding-DNA position 146, A replaced by C.
Protein change: p.Asp49Ala; replaces aspartic acid 49 with alanine.
Molecular consequence: missense variant.
Genome position (GRCh38, 1-based): chr2:55,918,036, T>G on the plus strand (A>C on the coding strand, the complement: EFEMP1 is on the minus strand). VCF-style: chr2-55918036-T-G. GRCh37 (hg19) VCF-style: chr2-56145171-T-G.
Other names: c.146A>C, p.Asp49Ala (NM_001039349.3); short protein forms D49A.
Identifiers: ClinVar variation 283832 (VCV000283832.42), dbSNP rs55849640, ClinGen allele CA1668987.